The following is an entry in ClinVar:

ClinVar aggregate classification (germline): Uncertain significance (1 of 4 stars; one submission).

Conditions:
X-linked myopathy with excessive autophagy (AVM). Also called: Vacuolar myopathy; Autophagic vacuolar myopathy. Identifiers: Orphanet 25980, MedGen C1839615, MONDO:0010684, OMIM 310440.

Submission:

Labcorp Genetics (formerly Invitae), Labcorp
Classification: Uncertain significance for X-linked myopathy with excessive autophagy. Last evaluated: 2024-03-04. Review status: criteria provided, single submitter. Criteria: Invitae Variant Classification Sherloc (09022015). Collection method: clinical testing. Allele origin: germline.
Comment: This sequence change replaces valine, which is neutral and non-polar, with glycine, which is neutral and non-polar, at codon 79 of the VMA21 protein (p.Val79Gly). This variant is not present in population databases (gnomAD no frequency). This variant has not been reported in the literature in individuals affected with VMA21-related conditions. ClinVar contains an entry for this variant (Variation ID: 648123). An algorithm developed to predict the effect of missense changes on protein structure and function (PolyPhen-2) suggests that this variant is likely to be disruptive. In summary, the available evidence is currently insufficient to determine the role of this variant in disease. Therefore, it has been classified as a Variant of Uncertain Significance.

NM_001017980.4(VMA21):c.236T>G (p.Val79Gly)

Gene: VMA21 (vacuolar ATPase assembly factor VMA21; plus strand). Cytogenetic location: Xq28.
Variant type: single nucleotide variant.
Coding change: c.236T>G on transcript NM_001017980.4 (MANE Select); coding-DNA position 236, T replaced by G.
Protein change: p.Val79Gly; replaces valine 79 with glycine.
Molecular consequence: missense variant.
Genome position (GRCh38, 1-based): chrX:151,404,988, T>G. VCF-style: chrX-151404988-T-G. GRCh37 (hg19) VCF-style: chrX-150573460-T-G.
Other names: c.401T>G, p.Val134Gly (NM_001363810.1); short protein forms V134G, V79G.
Identifiers: ClinVar variation 648123 (VCV000648123.8), dbSNP rs1602821150, ClinGen allele CA415271283.